The following is an entry in ClinVar:

ClinVar aggregate classification (germline): Likely benign. Review status: criteria provided, multiple submitters, no conflicts (2 of 4 stars). 2 submissions from 2 submitters: Likely benign (2). Last evaluated 2026-05-26.

Conditions:
EPHB2-related disorder. Also called: EPHB2-related condition.

gnomAD v4.1: 12 of 1,614,246 alleles (0.00074%); highest among the groups gnomAD compares: Middle Eastern, 0.13%; no homozygotes.

Submissions (2):

PreventionGenetics, part of Exact Sciences
Classification: Likely benign for EPHB2-related condition. Last evaluated: 2026-05-26. Review status: criteria provided, single submitter. Criteria: ACMG Guidelines, 2015. Collection method: clinical testing. Allele origin: germline.
Comment: This variant is classified as likely benign based on ACMG/AMP sequence variant interpretation guidelines (Richards et al. 2015 PMID: 25741868, with internal and published modifications).

Blueprint Genetics
Classification: Likely benign. Last evaluated: 2024-08-22. Review status: criteria provided, single submitter. Criteria: ACMG Guidelines, 2015. Collection method: clinical testing. Allele origin: germline.

NM_017449.5(EPHB2):c.1653C>T (p.Gly551=)

Gene: EPHB2 (EPH receptor B2; plus strand). Cytogenetic location: 1p36.12.
Variant type: single nucleotide variant.
Coding change: c.1653C>T on transcript NM_017449.5 (MANE Select); coding-DNA position 1653, C replaced by T.
Protein change: p.Gly551=; no amino-acid change (glycine 551 retained).
Molecular consequence: synonymous variant. On other transcripts: intron variant (1).
Genome position (GRCh38, 1-based): chr1:22,895,533, C>T. VCF-style: chr1-22895533-C-T. GRCh37 (hg19) VCF-style: chr1-23222026-C-T.
Other names: c.1653C>T, p.Gly551= (NM_001309193.2, NM_004442.7); c.1591+2487C>T (NM_001309192.2).
Identifiers: ClinVar variation 4962026 (VCV004962026.2).
Genomic context (GRCh38, chr1:22,895,533, plus strand): 5'-CGAGTACCAGACAAGCATCCAGGAGAAGTTGCCACTCATCATCGGCTCCTCGGCCGCTGG[C>T]CTGGTCTTCCTCATTGCTGTGGTTGTCATCGCCATCGTGTGTAACAGGTGGGTGGGGTCT-3'
Protein context (NP_059145.2, residues 541-561): LPLIIGSSAA[Gly551=]LVFLIAVVVI